The following is an entry in ClinVar:

ClinVar aggregate classification (germline): Conflicting classifications of pathogenicity. Review status: criteria provided, conflicting classifications (1 of 4 stars). 8 submissions from 8 submitters: Uncertain significance (4); Benign (1). 3 of the submissions do not count toward it. Last evaluated 2026-01-13.

Conditions:
EYS-related disorder. Also called: EYS-related condition.
Retinitis pigmentosa (RP). Identifiers: Orphanet 791, MedGen C0035334, MeSH D012174, MONDO:0019200, OMIM 268000. Inheritance: Autosomal dominant, autosomal recessive and X linked inheritance.
Autosomal recessive retinitis pigmentosa. Identifiers: MedGen C0339526.
Retinitis pigmentosa 25 (RP25). Identifiers: Orphanet 791, MedGen C1864446, MONDO:0011272, OMIM 602772.

Allele frequency attached by ClinVar (database versions not stated): gnomAD exomes 0.00015 and 0.00043; gnomAD 0.00023 and 0.00024; TOPMed 0.00028; ESP Exome Variant Server 0.00044; ExAC 0.00069.
gnomAD v4.1: 271 of 1,549,164 alleles (0.017%); highest among the groups gnomAD compares: Middle Eastern, 0.017%; no homozygotes.

Submissions (8):

Labcorp Genetics (formerly Invitae), Labcorp
Classification: Benign. Last evaluated: 2026-01-13. Review status: criteria provided, single submitter. Criteria: Invitae Variant Classification Sherloc (09022015). Collection method: clinical testing. Allele origin: germline.

Blueprint Genetics
Classification: Uncertain significance. Last evaluated: 2024-09-24. Review status: criteria provided, single submitter. Criteria: ACMG Guidelines, 2015. Collection method: clinical testing. Allele origin: germline.

Fulgent Genetics
Classification: Uncertain significance for Retinitis pigmentosa 25. Last evaluated: 2018-10-31. Review status: criteria provided, single submitter. Criteria: ACMG Guidelines, 2015. Collection method: clinical testing. Allele origin: unknown.

Illumina Laboratory Services, Illumina
Classification: Uncertain significance for Retinitis pigmentosa. Last evaluated: 2018-01-12. Review status: criteria provided, single submitter. Criteria: ICSL Variant Classification Criteria 13 December 2019. Collection method: clinical testing. Allele origin: germline.

Eurofins Ntd Llc (ga)
Classification: Uncertain significance. Last evaluated: 2014-10-20. Review status: criteria provided, single submitter. Criteria: EGL Classification Definitions 2015. Collection method: clinical testing. Allele origin: germline. Observed: 1 variant allele, 1 heterozygote.

PreventionGenetics, part of Exact Sciences
Classification: Likely benign for EYS-related condition. Last evaluated: 2022-06-01. Review status: no assertion criteria provided. Collection method: clinical testing. Allele origin: germline. Not counted in ClinVar's aggregate classification.
Comment: This variant is classified as likely benign based on ACMG/AMP sequence variant interpretation guidelines (Richards et al. 2015 PMID: 25741868, with internal and published modifications).

Natera, Inc.
Classification: Uncertain significance for Autosomal recessive retinitis pigmentosa. Last evaluated: 2020-06-30. Review status: no assertion criteria provided. Collection method: clinical testing. Allele origin: germline. Not counted in ClinVar's aggregate classification.

Counsyl
Classification: Uncertain significance for Retinitis pigmentosa 25. Last evaluated: 2017-03-06. Review status: no assertion criteria provided. Collection method: clinical testing. Allele origin: unknown. Not counted in ClinVar's aggregate classification.

Literature cited by the submitters: PubMed 20333770 (cited by Eurofins Ntd Llc (ga) and Counsyl).

NM_001142800.2(EYS):c.2813A>G (p.Lys938Arg)

Gene: EYS (EGF-like photoreceptor maintenance factor; minus strand). Cytogenetic location: 6q12.
Variant type: single nucleotide variant.
Coding change: c.2813A>G on transcript NM_001142800.2 (MANE Select); coding-DNA position 2813, A replaced by G.
Protein change: p.Lys938Arg; replaces lysine 938 with arginine.
Molecular consequence: missense variant.
Genome position (GRCh38, 1-based): chr6:64,902,146, T>C on the plus strand (A>G on the coding strand, the complement: EYS is on the minus strand). VCF-style: chr6-64902146-T-C. GRCh37 (hg19) VCF-style: chr6-65612039-T-C.
Other names: c.2813A>G, p.Lys938Arg (NM_001292009.2); short protein forms K938R.
Identifiers: ClinVar variation 194823 (VCV000194823.23), dbSNP rs367857088, ClinGen allele CA241009.
Genomic context (GRCh38, chr6:64,902,146, plus strand): 5'-TTAATTTAATAAAAAGTAGCTTCTCACCTGTTTGTCAGATCCACACATGTTCCATTATTT[T>C]TGCAAGGTTCAGAGGAACATTCATTAATTTCAATTTCACACAGAGATCCAGAAAACCCAG-3'
Protein context (NP_001136272.1, residues 928-948): EINECSSEPC[Lys938Arg]NNGTCVDLTN